The following is an entry in ClinVar:

NM_003235.5(TG):c.2980A>G (p.Ile994Val)

Gene: TG (thyroglobulin; plus strand). Cytogenetic location: 8q24.22.
Variant type: single nucleotide variant.
Coding change: c.2980A>G on transcript NM_003235.5 (MANE Select); coding-DNA position 2980, A replaced by G.
Protein change: p.Ile994Val; replaces isoleucine 994 with valine.
Molecular consequence: missense variant.
Genome position (GRCh38, 1-based): chr8:132,893,908, A>G. VCF-style: chr8-132893908-A-G. GRCh37 (hg19) VCF-style: chr8-133906153-A-G.
Other names: short protein forms I994V.
Identifiers: ClinVar variation 361935 (VCV000361935.14), dbSNP rs111363334, ClinGen allele CA4883555.

ClinVar aggregate classification (germline): Conflicting classifications of pathogenicity. Review status: criteria provided, conflicting classifications (1 of 4 stars). 4 submissions from 4 submitters: Uncertain significance (3); Likely benign (1). Last evaluated 2026-01-17.

Conditions:
Inborn genetic diseases. Identifiers: MedGen C0950123, MeSH D030342.
Iodotyrosyl coupling defect (TDH3). Also called: HYPOTHYROIDISM, CONGENITAL, DUE TO DYSHORMONOGENESIS, 3; THYROID HORMONOGENESIS, GENETIC DEFECT IN, 3. Identifiers: Orphanet 95716, MedGen C0342194, MONDO:0010135, OMIM 274700.

Allele frequency attached by ClinVar (database versions not stated): 1000 Genomes Project 0.00100; ESP Exome Variant Server 0.00123; 1000 Genomes Project 30x 0.00125; gnomAD 0.00127 and 0.00143; TOPMed 0.00153.
gnomAD v4.1: 428 of 1,613,972 alleles (0.027%); highest among the groups gnomAD compares: African/African-American, 0.5%; 2 homozygotes.

Submissions (4):

Labcorp Genetics (formerly Invitae), Labcorp
Classification: Likely benign. Last evaluated: 2026-01-17. Review status: criteria provided, single submitter. Criteria: Invitae Variant Classification Sherloc (09022015). Collection method: clinical testing. Allele origin: germline.

Ambry Genetics
Classification: Uncertain significance for Inborn genetic diseases. Last evaluated: 2024-07-31. Review status: criteria provided, single submitter. Criteria: Ambry Variant Classification Scheme 2023. Collection method: clinical testing. Allele origin: germline.

GeneDx
Classification: Uncertain significance. Last evaluated: 2024-05-14. Review status: criteria provided, single submitter. Criteria: GeneDx Variant Classification Process June 2021. Collection method: clinical testing. Allele origin: germline. Affected: yes.
Comment: In silico analysis indicates that this missense variant does not alter protein structure/function; Has not been previously published as pathogenic or benign to our knowledge

Illumina Laboratory Services, Illumina
Classification: Uncertain significance for Iodotyrosyl coupling defect. Last evaluated: 2018-01-12. Review status: criteria provided, single submitter. Criteria: ICSL Variant Classification Criteria 13 December 2019. Collection method: clinical testing. Allele origin: germline.